The following is an entry in ClinVar:

ClinVar aggregate classification (germline): Likely pathogenic (1 of 4 stars; one submission).

Submission:

Labcorp Genetics (formerly Invitae), Labcorp
Classification: Likely pathogenic. Last evaluated: 2023-11-17. Review status: criteria provided, single submitter. Criteria: Invitae Variant Classification Sherloc (09022015). Collection method: clinical testing. Allele origin: germline.
Comment: This sequence change affects a donor splice site in intron 31 of the COL4A3 gene. It is expected to disrupt RNA splicing. Variants that disrupt the donor or acceptor splice site typically lead to a loss of protein function (PMID: 16199547), and loss-of-function variants in COL4A3 are known to be pathogenic (PMID: 8956999, 24854265, 26809805, 27281700). This variant is not present in population databases (gnomAD no frequency). This variant has not been reported in the literature in individuals affected with COL4A3-related conditions. Algorithms developed to predict the effect of sequence changes on RNA splicing suggest that this variant may disrupt the consensus splice site. In summary, the currently available evidence indicates that the variant is pathogenic, but additional data are needed to prove that conclusively. Therefore, this variant has been classified as Likely Pathogenic.

Literature cited by the submitters: PubMed 16199547; PubMed 8956999; PubMed 24854265; PubMed 26809805; PubMed 27281700.

NM_000091.5(COL4A3):c.2488+1G>T

Genes: COL4A3 (collagen type IV alpha 3 chain; plus strand), MFF-DT (MFF divergent transcript; minus strand). Cytogenetic location: 2q36.3.
Variant type: single nucleotide variant.
Coding change: c.2488+1G>T on transcript NM_000091.5 (MANE Select); the canonical splice donor site of the intron after coding-DNA position 2488, G replaced by T.
Molecular consequence: splice donor variant.
Genome position (GRCh38, 1-based): chr2:227,281,007, G>T. VCF-style: chr2-227281007-G-T. GRCh37 (hg19) VCF-style: chr2-228145723-G-T.
Identifiers: ClinVar variation 2809425 (VCV002809425.3), dbSNP rs2469760075, ClinGen allele CA350849778.